The following is an entry in ClinVar:

NM_016333.4(SRRM2):c.5289_5291del (p.Ser1764del)

Gene: SRRM2 (serine/arginine repetitive matrix 2; plus strand). Cytogenetic location: 16p13.3.
Variant type: Deletion.
Coding change: c.5289_5291del on transcript NM_016333.4 (MANE Select); coding-DNA positions 5289 to 5291, 3 bases deleted (TTC; older notation c.5289_5291delTTC).
Protein change: p.Ser1764del; deletes serine 1764.
Molecular consequence: inframe deletion.
Genome position (GRCh38, 1-based): chr16:2,765,817-2,765,819, TTC deleted; deleting any 3 consecutive bases within chr16:2,765,816-2,765,819 gives the same sequence; the c. name uses the placement nearest the transcript's 3' end. VCF-style (leftmost placement, unchanged base first): chr16-2765815-CCTT-C. GRCh37 (hg19) VCF-style: chr16-2815816-CCTT-C.
Other names: short protein forms S1764del.
Identifiers: ClinVar variation 2443402 (VCV002443402.1), dbSNP rs1567238057, ClinGen allele CA620709983.
Genomic context (GRCh38, chr16:2,765,815, plus strand): 5'-CGCCGACGGCGCTCAGCTTCATCTCCACGCACTAAGACAACCTCAAGGAGAGGCCGCTCT[CCTT>C]CGCCAAAGCCTCGTGGACTCCAGAGGTCCCGTTCCCGCTCAAGGAGAGAGAAAACAAGAA-3'

ClinVar aggregate classification (germline): Uncertain significance (1 of 4 stars; one submission).

Submission:

GeneDx
Classification: Uncertain significance. Last evaluated: 2022-09-13. Review status: criteria provided, single submitter. Criteria: GeneDx Variant Classification Process June 2021. Collection method: clinical testing. Allele origin: germline. Affected: yes.
Comment: Not observed at significant frequency in large population cohorts (gnomAD); In-frame deletion of 1 amino acid in a non-repeat region; In silico analysis supports a deleterious effect on protein structure/function; Has not been previously published as pathogenic or benign to our knowledge